The following is an entry in ClinVar:

ClinVar aggregate classification (germline): Pathogenic/Likely pathogenic. Review status: criteria provided, multiple submitters, no conflicts (2 of 4 stars). 2 submissions from 2 submitters: Pathogenic (1); Likely pathogenic (1). Last evaluated 2024-02-05.

Conditions:
Propionic acidemia (PROP). Also called: KETOTIC HYPERGLYCINEMIA; GLYCINEMIA, KETOTIC; HYPERGLYCINEMIA WITH KETOACIDOSIS AND LEUKOPENIA. Identifiers: Orphanet 35, MedGen C0268579, MONDO:0011628, OMIM 606054, HP:0003571.

Allele frequency attached by ClinVar (database versions not stated): TOPMed below 0.00001; gnomAD exomes 0.00001.

Submissions (2):

Baylor Genetics
Classification: Likely pathogenic for Propionic acidemia. Last evaluated: 2024-02-05. Review status: criteria provided, single submitter. Criteria: ACMG Guidelines, 2015. Collection method: clinical testing. Allele origin: unknown.

Labcorp Genetics (formerly Invitae), Labcorp
Classification: Pathogenic for Propionic acidemia. Last evaluated: 2022-12-20. Review status: criteria provided, single submitter. Criteria: Invitae Variant Classification Sherloc (09022015). Collection method: clinical testing. Allele origin: germline.
Comment: For these reasons, this variant has been classified as Pathogenic. Algorithms developed to predict the effect of sequence changes on RNA splicing suggest that this variant may disrupt the consensus splice site. ClinVar contains an entry for this variant (Variation ID: 1416645). This variant has not been reported in the literature in individuals affected with PCCA-related conditions. This variant is not present in population databases (gnomAD no frequency). This sequence change creates a premature translational stop signal (p.Gly225Trpfs*11) in the PCCA gene. It is expected to result in an absent or disrupted protein product. Loss-of-function variants in PCCA are known to be pathogenic (PMID: 15464417).

Literature cited by the submitters: PubMed 15464417 (cited by Labcorp Genetics (formerly Invitae), Labcorp).

NM_000282.4(PCCA):c.672dup (p.Gly225fs)

Gene: PCCA (propionyl-CoA carboxylase subunit alpha; plus strand). Cytogenetic location: 13q32.3.
Variant type: Duplication.
Coding change: c.672dup on transcript NM_000282.4 (MANE Select); coding-DNA position 672, one base duplicated (T; older notation c.672dupT).
Protein change: p.Gly225fs; shifts the reading frame from glycine 225.
Molecular consequence: frameshift variant. On other transcripts: non-coding transcript variant (5), intron variant (3).
Genome position (GRCh38, 1-based): chr13:100,257,629, T duplicated. VCF-style (leftmost placement, unchanged base first): chr13-100257628-G-GT. GRCh37 (hg19) VCF-style: chr13-100909882-G-GT.
Other names: c.594dup, p.Gly199fs (NM_001127692.3, NM_001352607.2, NM_001352608.2); c.672dup, p.Gly225fs (NM_001178004.2, NM_001352605.2, NM_001352609.2 and 1 more transcripts); c.-229-5100dup (NM_001352610.2, NM_001352611.2, NM_001352612.2); short protein forms G225fs, G199fs.
Identifiers: ClinVar variation 1416645 (VCV001416645.7), dbSNP rs1164986524, ClinGen allele CA694196205.